The following is an entry in ClinVar:

NM_001165963.4(SCN1A):c.4154T>G (p.Phe1385Cys)

Genes: SCN1A (sodium voltage-gated channel alpha subunit 1; minus strand), LOC102724058 (uncharacterized LOC102724058; plus strand). Cytogenetic location: 2q24.3.
Variant type: single nucleotide variant.
Coding change: c.4154T>G on transcript NM_001165963.4 (MANE Select); coding-DNA position 4154, T replaced by G.
Protein change: p.Phe1385Cys; replaces phenylalanine 1385 with cysteine.
Molecular consequence: missense variant. On other transcripts: non-coding transcript variant (1).
Genome position (GRCh38, 1-based): chr2:166,002,602, A>C on the plus strand (T>G on the coding strand, the complement: SCN1A is on the minus strand). VCF-style: chr2-166002602-A-C. GRCh37 (hg19) VCF-style: chr2-166859112-A-C.
Other names: c.4070T>G, p.Phe1357Cys (NM_001165964.3, NM_001353957.2, NM_001353958.2); c.4154T>G, p.Phe1385Cys (NM_001202435.3, NM_001353948.2); c.4121T>G, p.Phe1374Cys (NM_001353949.2, NM_001353950.2, NM_001353951.2 and 2 more transcripts); c.4118T>G, p.Phe1373Cys (NM_001353954.2, NM_001353955.2); c.4067T>G, p.Phe1356Cys (NM_001353960.2); c.1712T>G, p.Phe571Cys (NM_001353961.2); short protein forms F1356C, F1374C, F571C, F1373C, F1385C, F1357C.
Identifiers: ClinVar variation 1738288 (VCV001738288.2), dbSNP rs2468435708, ClinGen allele CA349050259.

ClinVar aggregate classification (germline): Likely pathogenic (1 of 4 stars; one submission).

Conditions:
Inborn genetic diseases. Identifiers: MedGen C0950123, MeSH D030342.

Submission:

Ambry Genetics
Classification: Likely pathogenic for Inborn genetic diseases. Last evaluated: 2018-01-10. Review status: criteria provided, single submitter. Criteria: Ambry Variant Classification Scheme 2023. Collection method: clinical testing. Allele origin: germline.
Comment: The p.F1385C variant (also known as c.4154T>G), located in coding exon 21 of the SCN1A gene, results from a T to G substitution at nucleotide position 4154. The phenylalanine at codon 1385 is replaced by cysteine, an amino acid with highly dissimilar properties. This variant has been determined to be the result of a de novo mutation or germline mosaicism in one family with an isolated case of epileptic encephalopathy (Ambry internal data). A different alteration at the same amino acid position (p.F1385V) has been detected in an individual with severe myoclonic epilepsy of infancy (Wang JW et al. Epilepsy Res., 2012 Dec;102:195-200). Internal structural analysis has determined this variant to be deleterious (Ambry internal data; Yan Z et al. Cell, 2017 Jul;170:470-482.e11). This amino acid position is well conserved in available vertebrate species. In addition, this alteration is predicted to be deleterious by in silico analysis. Based on the majority of available evidence to date, this variant is likely to be pathogenic.

Literature cited by the submitters: PubMed 23195492; PubMed 28735751.